The following is an entry in ClinVar:

ClinVar aggregate classification (germline): Uncertain significance (1 of 4 stars; one submission).

Conditions:
LMNB1-related disorder. Also called: LMNB1-related condition; LMNB1-Related Disorders.

Allele frequency attached by ClinVar (database versions not stated): gnomAD exomes below 0.00001.
gnomAD v4.1: 1 of 1,612,168 alleles (0.000062%); highest among the groups gnomAD compares: Non-Finnish European, 0.000085%; no homozygotes.

Submission:

PreventionGenetics, part of Exact Sciences
Classification: Uncertain significance for LMNB1-related condition. Last evaluated: 2024-12-10. Review status: criteria provided, single submitter. Criteria: ACMG Guidelines, 2015. Collection method: clinical testing. Allele origin: germline.
Comment: The LMNB1 c.923C>G variant is predicted to result in the amino acid substitution p.Ser308Cys. To our knowledge, this variant has not been reported in the literature or in a large population database (gnomAD), indicating this variant is rare. At this time, the clinical significance of this variant is uncertain due to the absence of conclusive functional and genetic evidence.

NM_005573.4(LMNB1):c.923C>G (p.Ser308Cys)

Gene: LMNB1 (lamin B1; plus strand). Cytogenetic location: 5q23.2.
Variant type: single nucleotide variant.
Coding change: c.923C>G on transcript NM_005573.4 (MANE Select); coding-DNA position 923, C replaced by G.
Protein change: p.Ser308Cys; replaces serine 308 with cysteine.
Molecular consequence: missense variant. On other transcripts: non-coding transcript variant (2).
Genome position (GRCh38, 1-based): chr5:126,811,882, C>G. VCF-style: chr5-126811882-C-G. GRCh37 (hg19) VCF-style: chr5-126147574-C-G.
Other names: c.293C>G, p.Ser98Cys (NM_001198557.2); short protein forms S308C, S98C.
Identifiers: ClinVar variation 2635283 (VCV002635283.2), dbSNP rs2479520553, ClinGen allele CA360723467.